The following is an entry in ClinVar:

NM_002734.5(PRKAR1A):c.790C>T (p.Arg264Cys)

Gene: PRKAR1A (protein kinase cAMP-dependent type I regulatory subunit alpha; plus strand). Cytogenetic location: 17q24.2.
Variant type: single nucleotide variant.
Coding change: c.790C>T on transcript NM_002734.5 (MANE Select); coding-DNA position 790, C replaced by T.
Protein change: p.Arg264Cys; replaces arginine 264 with cysteine.
Molecular consequence: missense variant.
Genome position (GRCh38, 1-based): chr17:68,528,890, C>T. VCF-style: chr17-68528890-C-T. GRCh37 (hg19) VCF-style: chr17-66525031-C-T.
Other names: c.790C>T, p.Arg264Cys (NM_001276289.2, NM_001276290.1, NM_001278433.2 and 4 more transcripts); short protein forms R264C.
Identifiers: ClinVar variation 1019850 (VCV001019850.15), dbSNP rs2085877268, ClinGen allele CA400753827.

ClinVar aggregate classification (germline): Uncertain significance. Review status: criteria provided, multiple submitters, no conflicts (2 of 4 stars). 6 submissions from 6 submitters: Uncertain significance (6). Last evaluated 2025-07-02.

Conditions:
Hereditary cancer-predisposing syndrome. Also called: Tumor predisposition; Neoplastic Syndromes, Hereditary; Hereditary neoplastic syndrome; Hereditary Cancer Syndrome. Identifiers: Orphanet 140162, MedGen C0027672, MeSH D009386, MONDO:0015356.
Carney complex, type 1 (CNC1). Also called: CARNEY COMPLEX, TYPE I; CARNEY MYXOMA-ENDOCRINE COMPLEX. Identifiers: Orphanet 1359, MedGen C2607929, MONDO:0008057, OMIM 160980.
Acrodysostosis 1 with or without hormone resistance (ACRDYS1). Also called: ACRODYSOSTOSIS 1 WITH HORMONE RESISTANCE; ACRODYSOSTOSIS 1 WITHOUT HORMONE RESISTANCE; ACRODYSOSTOSIS WITH HORMONE RESISTANCE. Identifiers: Orphanet 280651, MedGen C3276228, MONDO:0007044, OMIM 101800.

Allele frequency attached by ClinVar (database versions not stated): gnomAD 0.00001.
gnomAD v4.1: 3 of 1,613,704 alleles (0.00019%); highest among the groups gnomAD compares: East Asian, 0.0022%; no homozygotes.

Submissions (6):

Ambry Genetics
Classification: Uncertain significance for Hereditary cancer-predisposing syndrome. Last evaluated: 2025-07-02. Review status: criteria provided, single submitter. Criteria: Ambry Variant Classification Scheme 2023. Collection method: clinical testing. Allele origin: germline.
Comment: The p.R264C variant (also known as c.790C>T), located in coding exon 8 of the PRKAR1A gene, results from a C to T substitution at nucleotide position 790. The arginine at codon 264 is replaced by cysteine, an amino acid with highly dissimilar properties. This amino acid position is highly conserved in available vertebrate species. In addition, this alteration is predicted to be deleterious by in silico analysis. Based on the available evidence, the clinical significance of this variant remains unclear.

Labcorp Genetics (formerly Invitae), Labcorp
Classification: Uncertain significance for Carney complex, type 1. Last evaluated: 2025-06-10. Review status: criteria provided, single submitter. Criteria: Invitae Variant Classification Sherloc (09022015). Collection method: clinical testing. Allele origin: germline.
Comment: This sequence change replaces arginine, which is basic and polar, with cysteine, which is neutral and slightly polar, at codon 264 of the PRKAR1A protein (p.Arg264Cys). This variant is not present in population databases (gnomAD no frequency). This variant has not been reported in the literature in individuals affected with PRKAR1A-related conditions. ClinVar contains an entry for this variant (Variation ID: 1019850). Invitae Evidence Modeling of protein sequence and biophysical properties (such as structural, functional, and spatial information, amino acid conservation, physicochemical variation, residue mobility, and thermodynamic stability) indicates that this missense variant is expected to disrupt PRKAR1A protein function with a positive predictive value of 95%. In summary, the available evidence is currently insufficient to determine the role of this variant in disease. Therefore, it has been classified as a Variant of Uncertain Significance.

Baylor Genetics
Classification: Uncertain significance for Acrodysostosis 1 with or without hormone resistance. Last evaluated: 2024-03-21. Review status: criteria provided, single submitter. Criteria: ACMG Guidelines, 2015. Collection method: clinical testing. Allele origin: unknown.

Women's Health and Genetics/Laboratory Corporation of America, LabCorp
Classification: Uncertain significance. Last evaluated: 2023-11-15. Review status: criteria provided, single submitter. Criteria: LabCorp Variant Classification Summary - May 2015. Collection method: clinical testing. Allele origin: germline.
Comment: Variant summary: PRKAR1A c.790C>T (p.Arg264Cys) results in a non-conservative amino acid change located in the Cyclic nucleotide-binding domain (IPR000595) of the encoded protein sequence. Five of five in-silico tools predict a damaging effect of the variant on protein function. The variant was absent in 251324 control chromosomes. The available data on variant occurrences in the general population are insufficient to allow any conclusion about variant significance. c.790C>T has been reported in the literature in one heterozygous individual with breast cancer (Schubert_2019). This report does not provide unequivocal conclusions about association of the variant with Carney Complex. To our knowledge, no experimental evidence demonstrating an impact on protein function has been reported. The following publication has been ascertained in the context of this evaluation (PMID: 30426508). Four submitters have cited clinical-significance assessments for this variant to ClinVar after 2014. All submitters classified the variant as uncertain significance. Based on the evidence outlined above, the variant was classified as uncertain significance.

GeneDx
Classification: Uncertain significance. Last evaluated: 2022-09-22. Review status: criteria provided, single submitter. Criteria: GeneDx Variant Classification Process June 2021. Collection method: clinical testing. Allele origin: germline. Affected: yes.
Comment: Not observed at significant frequency in large population cohorts (gnomAD); In silico analysis supports that this missense variant has a deleterious effect on protein structure/function; Has not been previously published as pathogenic or benign to our knowledge; This variant is associated with the following publications: (PMID: 24363928)

Sema4
Classification: Uncertain significance for Hereditary cancer-predisposing syndrome. Last evaluated: 2021-10-25. Review status: criteria provided, single submitter. Criteria: Sema4 Curation Guidelines. Collection method: curation. Allele origin: germline.
Comment: The PRKAR1A c.790C>T (p.R264C) variant has not been reported in the literature to our knowledge. It was not observed in the large and broad cohorts of the Genome Aggregation Database (PMID: 32461654). This variant has been reported in ClinVar (Variation ID: 1019850). In silico tools suggest the impact of the variant on protein function is deleterious, though these predictions have not been confirmed by functional studies. The evidence is insufficient to meet ACMG/AMP criteria for classifying the variant as benign or pathogenic. Thus, the clinical significance of this variant is currently uncertain.

Literature cited by the submitters: PubMed 30426508 (cited by Women's Health and Genetics/Laboratory Corporation of America, LabCorp).